The following is an entry in ClinVar:

ClinVar aggregate classification (germline): Uncertain significance (1 of 4 stars; one submission).

Conditions:
Neurodevelopmental disorder with progressive spasticity and brain white matter abnormalities. Also called: CEREBRAL PALSY, SPASTIC QUADRIPLEGIC, 1. Identifiers: Orphanet 210141, Orphanet 641353, MedGen C5436628, MONDO:0033613, OMIM 619026.
Spastic paraplegia 83, autosomal recessive. Identifiers: Orphanet 631076, MedGen C5436637, MONDO:0033614, OMIM 619027.

Submission:

Juno Genomics, Hangzhou Juno Genomics, Inc
Classification: Uncertain significance for Neurodevelopmental disorder with progressive spasticity and brain white matter abnormalities; Spastic paraplegia 83, autosomal recessive. Review status: criteria provided, single submitter. Criteria: ACMG Guidelines, 2015. Collection method: clinical testing. Allele origin: germline.
Comment: Null variant in a gene where loss of function (LOF) is a known mechanism of disease.;Absent from controls (or at extremely low frequency if recessive) in Genome Aggregation Database.

NM_032756.4(HPDL):c.679_680del (p.Thr227fs)

Gene: HPDL (4-hydroxyphenylpyruvate dioxygenase like; plus strand). Cytogenetic location: 1p34.1.
Variant type: Deletion.
Coding change: c.679_680del on transcript NM_032756.4 (MANE Select); coding-DNA positions 679 to 680, 2 bases deleted (AC; older notation c.679_680delAC).
Protein change: p.Thr227fs; shifts the reading frame from threonine 227.
Molecular consequence: frameshift variant.
Genome position (GRCh38, 1-based): chr1:45,327,827-45,327,828, AC deleted; deleting any 2 consecutive bases within chr1:45,327,826-45,327,828 gives the same sequence; the c. name uses the placement nearest the transcript's 3' end. VCF-style (leftmost placement, unchanged base first): chr1-45327825-CCA-C. GRCh37 (hg19) VCF-style: chr1-45793497-CCA-C.
Other names: short protein forms T227fs.
Identifiers: ClinVar variation 5006693 (VCV005006693.2).